The following is an entry in ClinVar:

NC_000015.9:g.(?_67447886)_(67457605_?)del

Gene: SMAD3 (SMAD family member 3; plus strand). Cytogenetic location: 15q22.33.
Variant type: Deletion.
Identifiers: ClinVar variation 3243832 (VCV003243832.1).

ClinVar aggregate classification (germline): Pathogenic (1 of 4 stars; one submission).

Conditions:
Familial thoracic aortic aneurysm and aortic dissection (TAAD). Also called: Thoracic aortic aneurysms and dissections. Identifiers: Orphanet 91387, MedGen C4707243, MONDO:0019625.

Submission:

Labcorp Genetics (formerly Invitae), Labcorp
Classification: Pathogenic for Familial thoracic aortic aneurysm and aortic dissection. Last evaluated: 2023-09-17. Review status: criteria provided, single submitter. Criteria: Invitae Variant Classification Sherloc (09022015). Collection method: clinical testing. Allele origin: unknown.
Comment: This variant results in the deletion of exon 2 and part of exon 3 (c.207-9347_415delinsGCC) of the SMAD3 gene. It is expected to disrupt RNA splicing. Variants that disrupt the donor or acceptor splice site typically lead to a loss of protein function (PMID: 16199547), and loss-of-function variants in SMAD3 are known to be pathogenic (PMID: 21778426, 24804794). This variant has not been reported in the literature in individuals affected with SMAD3-related conditions. This variant disrupts a region of the SMAD3 protein in which other variant(s) (p.Arg74Trp) have been determined to be pathogenic (PMID: 29510914, 31096651; Invitae). This suggests that this is a clinically significant region of the protein, and that variants that disrupt it are likely to be disease-causing. For these reasons, this variant has been classified as Pathogenic.

Literature cited by the submitters: PubMed 16199547; PubMed 21778426; PubMed 24804794; PubMed 29510914; PubMed 31096651.